The following is an entry in ClinVar:

ClinVar aggregate classification (germline): Pathogenic (1 of 4 stars; one submission).

Conditions:
Aortic valve disease 2 (AOVD2). Identifiers: MedGen C3542024, MONDO:0013902, OMIM 614823.

Submission:

Labcorp Genetics (formerly Invitae), Labcorp
Classification: Pathogenic for Aortic valve disease 2. Last evaluated: 2020-01-06. Review status: criteria provided, single submitter. Criteria: Invitae Variant Classification Sherloc (09022015). Collection method: clinical testing. Allele origin: germline.
Comment: This variant is not present in population databases (ExAC no frequency). This sequence change creates a premature translational stop signal (p.Cys24Alafs*42) in the TBX5 gene. It is expected to result in an absent or disrupted protein product. This variant has not been reported in the literature in individuals with TBX5-related conditions. For these reasons, this variant has been classified as Pathogenic. Loss-of-function variants in TBX5 are known to be pathogenic (PMID: 16183809, 16917909).

Literature cited by the submitters: PubMed 16183809; PubMed 16917909.

NM_181486.4(TBX5):c.69del (p.Cys24fs)

Gene: TBX5 (T-box transcription factor 5; minus strand). Cytogenetic location: 12q24.21.
Variant type: Deletion.
Coding change: c.69del on transcript NM_181486.4 (MANE Select); coding-DNA position 69, one base deleted (C; older notation c.69delC).
Protein change: p.Cys24fs; shifts the reading frame from cysteine 24.
Molecular consequence: frameshift variant. On other transcripts: intron variant (1).
Genome position (GRCh38, 1-based): chr12:114,403,830, G deleted on the plus strand (C on the coding strand, the reverse complement: TBX5 is on the minus strand); the first of 3 consecutive G bases (chr12:114,403,830-114,403,832); deleting any one gives the same sequence. VCF-style (leftmost placement, unchanged base first): chr12-114403829-AG-A. GRCh37 (hg19) VCF-style: chr12-114841634-AG-A.
Other names: c.69del, p.Cys24fs (NM_000192.3); c.-3-1910del (NM_080717.4); short protein forms C24fs.
Identifiers: ClinVar variation 857821 (VCV000857821.8), dbSNP rs1872004016, ClinGen allele CA916082356.